The following continues an entry in ClinVar:

NM_024685.4(BBS10):c.271dup (p.Cys91fs)

Gene: BBS10. ClinVar aggregate classification (germline): Pathogenic/Likely pathogenic. Pathogenic (34); Likely pathogenic (2).

Submissions 35 to 46 of 46:

Neuberg Centre For Genomic Medicine, NCGM
Classification: Pathogenic for Bardet-Biedl syndrome 10. Review status: criteria provided, single submitter. Criteria: ACMG Guidelines, 2015. Collection method: clinical testing. Allele origin: germline. Affected: yes.
Comment: The frameshift duplication p.C91Lfs*5 in BBS10 (NM_024685.4) variant is known to be a common cause of Bardet-Biedl syndrome and is well-documented as a common founder mutation in several ethnic groups (Stoetzel C et al; Putoux A et al; Suspitsin et al). The variant has been reported to ClinVar as Pathogenic. This variant is predicted to cause loss of normal protein function through protein truncation. Loss of function variants have been previously reported to be disease causing. For these reasons, this variant has been classified as Pathogenic

Suma Genomics
Classification: Pathogenic for Bardet-Biedl syndrome 10. Review status: criteria provided, single submitter. Criteria: ACMG Guidelines, 2015. Collection method: clinical testing. Allele origin: germline. Inheritance: Autosomal recessive inheritance. Affected: yes. Observed: 1 variant allele, 1 homozygote.
Comment: This variant is observed in 1494 individuals in the gnomAD database in a heterozygous state. Biallelic loss-of-function variants in BBS10 are associated with Bardet-Biedl syndrome 10 (MIM# 615987). ACMG Classification: Pathogenic Criteria met: PVS1: Null variant in a gene where loss of function is a known mechanism of disease PM2_Supporting: Extremely low frequency in gnomAD population databases PM3_VeryStrong: For recessive disorders, detected in trans with a pathogenic variant, or in a homozygous or compound heterozygous state in affected cases PP1_Strong and PP4_Supporting: Cosegregation

Laboratory of Medical Genetics (UMR_S 1112), INSERM/Strasbourg University
Classification: Pathogenic for Bardet-Biedl syndrome. Last evaluated: 2018-09-15. Review status: no assertion criteria provided. Collection method: provider interpretation. Allele origin: germline. Affected: yes. Study: French fetal BBS cohort. Not counted in ClinVar's aggregate classification.

Department of Clinical Genetics, Copenhagen University Hospital, Rigshospitalet
Classification: Pathogenic. Last evaluated: 2018-04-01. Review status: no assertion criteria provided. Collection method: research. Allele origin: unknown. Affected: yes. Study: VeluxRD. Not counted in ClinVar's aggregate classification.

NIHR Bioresource Rare Diseases, University of Cambridge
Classification: Pathogenic for Retinitis pigmentosa. Last evaluated: 2015-01-01. Review status: no assertion criteria provided. Collection method: research. Allele origin: unknown. Affected: yes. Observed: 1 variant allele. Not counted in ClinVar's aggregate classification.

Division of Human Genetics, Children's Hospital of Philadelphia
Classification: Pathogenic for Bardet-Biedl syndrome 10. Last evaluated: 2014-07-17. Review status: no assertion criteria provided. Collection method: research. Allele origin: germline. Affected: no. Study: CSER-PediSeq. Not counted in ClinVar's aggregate classification.
Comment: The BBS10 variant (c.271dup; p.Cys91Leufs*5) identified in this patient is a frameshift variant, reported to be one of the most common pathogenic variants for Bardet Biedl syndrome (Stoetzel et al. 2006, PMID: 16582908).

OMIM
Classification: Pathogenic for BARDET-BIEDL SYNDROME 10. Last evaluated: 2010-12-01. Review status: no assertion criteria provided. Collection method: literature only. Allele origin: germline. Not counted in ClinVar's aggregate classification.

OMIM
Classification: Pathogenic for BARDET-BIEDL SYNDROME 6/10, DIGENIC. Last evaluated: 2010-12-01. Review status: no assertion criteria provided. Collection method: literature only. Allele origin: germline. Not counted in ClinVar's aggregate classification.

Clinical Genetics, Academic Medical Center
Classification: Pathogenic. Review status: no assertion criteria provided. Collection method: clinical testing. Allele origin: germline. Affected: yes. Study: VKGL Data-share Consensus. Not counted in ClinVar's aggregate classification.

Genome Diagnostics Laboratory, Amsterdam University Medical Center
Classification: Pathogenic. Review status: no assertion criteria provided. Collection method: clinical testing. Allele origin: germline. Affected: yes. Study: VKGL Data-share Consensus. Not counted in ClinVar's aggregate classification.

Joint Genome Diagnostic Labs from Nijmegen and Maastricht, Radboudumc and MUMC+
Classification: Pathogenic. Review status: no assertion criteria provided. Collection method: clinical testing. Allele origin: germline. Affected: yes. Study: VKGL Data-share Consensus. Not counted in ClinVar's aggregate classification.

Department of Clinical Genetics, Copenhagen University Hospital, Rigshospitalet
Classification: Pathogenic for Bardet-Biedl syndrome. Last evaluated: 2018-04-01. Review status: flagged submission. Collection method: research. Allele origin: unknown. Affected: yes. Study: VeluxRD. Not counted in ClinVar's aggregate classification.
ClinVar note: Reason: This record appears to be redundant with a more recent record from the same submitter.
ClinVar note: Notes: SCV000926505 appears to be redundant with SCV000926796.

Literature cited by the submitters: PubMed 39092430 (cited by Dasa); PubMed 32835378 (cited by Dasa); PubMed 35112343 (cited by Dasa); PubMed 20805367 (cited by 6 submitters); PubMed 16582908 (cited by 11 submitters); PubMed 27385962 (cited by Labcorp Genetics (formerly Invitae), Labcorp and Illumina Laboratory Services, Illumina); PubMed 28761321 (cited by Natera, Inc.); PubMed 20120035 (cited by Natera, Inc. and Myriad Genetics, Inc.); PubMed 20876674 (cited by Ambry Genetics); PubMed 21052717 (cited by Ambry Genetics); PubMed 21344540 (cited by Ambry Genetics); PubMed 21642631 (cited by Ambry Genetics); PubMed 21209035 (cited by Myriad Genetics, Inc.); PubMed 24746959 (cited by 3 submitters); PubMed 24400638 (cited by Illumina Laboratory Services, Illumina and Athena Diagnostics); PubMed 30614526 (cited by Laboratory of Medical Genetics (UMR_S 1112), INSERM/Strasbourg University); PubMed 30718709 (cited by Department of Clinical Genetics, Copenhagen University Hospital, Rigshospitalet); PubMed 28041643 (cited by NIHR Bioresource Rare Diseases, University of Cambridge).